The following is an entry in ClinVar:

NM_001384910.1(GUCA1A):c.490C>T (p.Gln164Ter)

Genes: GUCA1A (guanylate cyclase activator 1A; plus strand), GUCA1ANB-GUCA1A (GUCA1ANB-GUCA1A readthrough; plus strand). Cytogenetic location: 6p21.1.
Variant type: single nucleotide variant.
Coding change: c.490C>T on transcript NM_001384910.1 (MANE Select); coding-DNA position 490, C replaced by T.
Protein change: p.Gln164Ter; replaces glutamine 164 with a stop codon.
Molecular consequence: nonsense.
Genome position (GRCh38, 1-based): chr6:42,179,287, C>T. VCF-style: chr6-42179287-C-T. GRCh37 (hg19) VCF-style: chr6-42147025-C-T.
Other names: c.490C>T, p.Gln164Ter (NM_000409.5, NM_001319061.2, NM_001319062.2); short protein forms Q164*.
Identifiers: ClinVar variation 1510309 (VCV001510309.7), dbSNP rs1225858728, ClinGen allele CA364110285.

ClinVar aggregate classification (germline): Uncertain significance. Review status: criteria provided, multiple submitters, no conflicts (2 of 4 stars). 2 submissions from 2 submitters: Uncertain significance (2). Last evaluated 2021-11-01.

Allele frequency attached by ClinVar (database versions not stated): TOPMed 0.00002; gnomAD 0.00003.

Submissions (2):

Labcorp Genetics (formerly Invitae), Labcorp
Classification: Uncertain significance. Last evaluated: 2021-11-01. Review status: criteria provided, single submitter. Criteria: Invitae Variant Classification Sherloc (09022015). Collection method: clinical testing. Allele origin: germline.
Comment: This sequence change creates a premature translational stop signal (p.Gln164*) in the GUCA1A gene. While this is not anticipated to result in nonsense mediated decay, it is expected to disrupt the last 38 amino acid(s) of the GUCA1A protein. This variant is not present in population databases (gnomAD no frequency). This variant has not been reported in the literature in individuals affected with GUCA1A-related conditions. Experimental studies and prediction algorithms are not available or were not evaluated, and the functional significance of this variant is currently unknown. In summary, the available evidence is currently insufficient to determine the role of this variant in disease. Therefore, it has been classified as a Variant of Uncertain Significance.

Blueprint Genetics
Classification: Uncertain significance. Last evaluated: 2021-05-31. Review status: criteria provided, single submitter. Criteria: ACMG Guidelines, 2015. Collection method: clinical testing. Allele origin: germline.